The following is an entry in ClinVar:

ClinVar aggregate classification (germline): Uncertain significance (0 of 4 stars; one submission).

Conditions:
UCP3-related disorder. Also called: UCP3-related condition.

Submission:

PreventionGenetics, part of Exact Sciences
Classification: Uncertain significance for UCP3-related condition. Last evaluated: 2024-01-04. Review status: no assertion criteria provided. Collection method: clinical testing. Allele origin: germline.
Comment: The UCP3 c.58delG variant is predicted to result in a frameshift and premature protein termination (p.Ala20Glnfs*47). To our knowledge, this variant has not been reported in the literature. This variant is reported in 0.0079% of alleles in individuals of European (Non-Finnish) descent in gnomAD. At this time, the clinical significance of this variant is uncertain due to the absence of conclusive functional and genetic evidence.

NM_003356.4(UCP3):c.58del (p.Ala20fs)

Gene: UCP3 (uncoupling protein 3; minus strand). Cytogenetic location: 11q13.4.
Variant type: Deletion.
Coding change: c.58del on transcript NM_003356.4 (MANE Select); coding-DNA position 58, one base deleted (G; older notation c.58delG).
Protein change: p.Ala20fs; shifts the reading frame from alanine 20.
Molecular consequence: frameshift variant.
Genome position (GRCh38, 1-based): chr11:74,006,985, C deleted on the plus strand (G on the coding strand, the reverse complement: UCP3 is on the minus strand); the first of 5 consecutive C bases (chr11:74,006,985-74,006,989); deleting any one gives the same sequence. VCF-style (leftmost placement, unchanged base first): chr11-74006984-GC-G. GRCh37 (hg19) VCF-style: chr11-73718029-GC-G.
Other names: c.58del, p.Ala20fs (NM_022803.3); short protein forms A20fs.
Identifiers: ClinVar variation 3351700 (VCV003351700.1).